The following is an entry in ClinVar:

ClinVar aggregate classification (germline): Uncertain significance (1 of 4 stars; one submission).

Submission:

GeneDx
Classification: Uncertain significance. Last evaluated: 2021-01-13. Review status: criteria provided, single submitter. Criteria: GeneDx Variant Classification Process June 2021. Collection method: clinical testing. Allele origin: germline. Affected: yes.
Comment: Has not been previously published as pathogenic or benign to our knowledge; Not observed in large population cohorts (Lek et al., 2016); In silico analysis supports that this missense variant has a deleterious effect on protein structure/function

NM_005120.3(MED12):c.70G>T (p.Val24Phe)

Gene: MED12 (mediator complex subunit 12; plus strand). Cytogenetic location: Xq13.1.
Variant type: single nucleotide variant.
Coding change: c.70G>T on transcript NM_005120.3 (MANE Select); coding-DNA position 70, G replaced by T.
Protein change: p.Val24Phe; replaces valine 24 with phenylalanine.
Molecular consequence: missense variant.
Genome position (GRCh38, 1-based): chrX:71,118,824, G>T. VCF-style: chrX-71118824-G-T. GRCh37 (hg19) VCF-style: chrX-70338674-G-T.
Other names: short protein forms V24F.
Identifiers: ClinVar variation 1313993 (VCV001313993.2), dbSNP rs2092281566, ClinGen allele CA413498407.